The following is an entry in ClinVar:

NM_001374623.1(PNPLA1):c.212A>G (p.Tyr71Cys)

Gene: PNPLA1 (patatin like domain 1, omega-hydroxyceramide transacylase; plus strand). Cytogenetic location: 6p21.31.
Variant type: single nucleotide variant.
Coding change: c.212A>G on transcript NM_001374623.1 (MANE Select); coding-DNA position 212, A replaced by G.
Protein change: p.Tyr71Cys; replaces tyrosine 71 with cysteine.
Molecular consequence: missense variant. On other transcripts: 5 prime UTR variant (2).
Genome position (GRCh38, 1-based): chr6:36,291,326, A>G. VCF-style: chr6-36291326-A-G. GRCh37 (hg19) VCF-style: chr6-36259103-A-G.
Other names: c.-74A>G (NM_001145716.2, NM_173676.2); c.212A>G, p.Tyr71Cys (NM_001145717.1); short protein forms Y71C.
Identifiers: ClinVar variation 3392486 (VCV003392486.2).

ClinVar aggregate classification (germline): Uncertain significance (1 of 4 stars; one submission).

Conditions:
Autosomal recessive congenital ichthyosis 10 (ARCI10). Identifiers: Orphanet 79394, MedGen C3554355, MONDO:0014011, OMIM 615024.

gnomAD v4.1: 1 of 1,613,914 alleles (0.000062%); highest among the groups gnomAD compares: South Asian, 0.0011%; no homozygotes.

Submission:

Juno Genomics, Hangzhou Juno Genomics, Inc
Classification: Uncertain significance for Autosomal recessive congenital ichthyosis 10. Review status: criteria provided, single submitter. Criteria: ACMG Guidelines, 2015. Collection method: clinical testing. Allele origin: germline. Affected: yes.
Comment: Absent from controls (or at extremely low frequency if recessive) in Genome Aggregation Database, Exome Sequencing Project, 1000 Genomes Project, or Exome Aggregation Consortium.;For recessive disorders, detected in trans with a pathogenic variant.